The following is an entry in ClinVar:

ClinVar aggregate classification (germline): Uncertain significance. Review status: criteria provided, multiple submitters, no conflicts (2 of 4 stars). 2 submissions from 2 submitters: Uncertain significance (2). Last evaluated 2025-10-02.

gnomAD v4.1: 2 of 1,613,872 alleles (0.00012%); highest among the groups gnomAD compares: Admixed American, 0.0033%; no homozygotes.

Submissions (2):

Labcorp Genetics (formerly Invitae), Labcorp
Classification: Uncertain significance. Last evaluated: 2025-10-02. Review status: criteria provided, single submitter. Criteria: Invitae Variant Classification Sherloc (09022015). Collection method: clinical testing. Allele origin: germline.
Comment: This sequence change replaces glycine, which is neutral and non-polar, with aspartic acid, which is acidic and polar, at codon 862 of the SETD5 protein (p.Gly862Asp). This variant is not present in population databases (gnomAD no frequency). This variant has not been reported in the literature in individuals affected with SETD5-related conditions. ClinVar contains an entry for this variant (Variation ID: 1926483). Invitae Evidence Modeling of protein sequence and biophysical properties (such as structural, functional, and spatial information, amino acid conservation, physicochemical variation, residue mobility, and thermodynamic stability) indicates that this missense variant is not expected to disrupt SETD5 protein function with a negative predictive value of 80%. In summary, the available evidence is currently insufficient to determine the role of this variant in disease. Therefore, it has been classified as a Variant of Uncertain Significance.

GeneDx
Classification: Uncertain significance. Last evaluated: 2022-08-19. Review status: criteria provided, single submitter. Criteria: GeneDx Variant Classification Process June 2021. Collection method: clinical testing. Allele origin: germline. Affected: yes.
Comment: Not observed at significant frequency in large population cohorts (gnomAD); In silico analysis supports that this missense variant does not alter protein structure/function; Has not been previously published as pathogenic or benign to our knowledge

NM_001080517.3(SETD5):c.2585G>A (p.Gly862Asp)

Gene: SETD5 (SET domain containing 5; plus strand). Cytogenetic location: 3p25.3.
Variant type: single nucleotide variant.
Coding change: c.2585G>A on transcript NM_001080517.3 (MANE Select); coding-DNA position 2585, G replaced by A.
Protein change: p.Gly862Asp; replaces glycine 862 with aspartic acid.
Molecular consequence: missense variant.
Genome position (GRCh38, 1-based): chr3:9,464,533, G>A. VCF-style: chr3-9464533-G-A. GRCh37 (hg19) VCF-style: chr3-9506217-G-A.
Other names: c.2291G>A, p.Gly764Asp (NM_001292043.2, NM_001349451.2); c.2585G>A (NM_001080517.1); short protein forms G764D, G862D.
Identifiers: ClinVar variation 1926483 (VCV001926483.6), dbSNP rs2473599369, ClinGen allele CA351707860.